The following is an entry in ClinVar:

ClinVar aggregate classification (germline): Likely benign (1 of 4 stars; one submission).

Conditions:
FASN-related disorder. Also called: FASN-related condition.

Submission:

PreventionGenetics, part of Exact Sciences
Classification: Likely benign for FASN-related condition. Last evaluated: 2024-10-19. Review status: criteria provided, single submitter. Criteria: ACMG Guidelines, 2015. Collection method: clinical testing. Allele origin: germline.
Comment: This variant is classified as likely benign based on ACMG/AMP sequence variant interpretation guidelines (Richards et al. 2015 PMID: 25741868, with internal and published modifications).

NM_004104.5(FASN):c.1493-5G>T

Gene: FASN (fatty acid synthase; minus strand). Cytogenetic location: 17q25.3.
Variant type: single nucleotide variant.
Coding change: c.1493-5G>T on transcript NM_004104.5 (MANE Select); 5 bases into the intron before coding-DNA position 1493, G replaced by T.
Molecular consequence: intron variant.
Genome position (GRCh38, 1-based): chr17:82,091,074, C>A on the plus strand (G>T on the coding strand, the complement: FASN is on the minus strand). VCF-style: chr17-82091074-C-A. GRCh37 (hg19) VCF-style: chr17-80048950-C-A.
Identifiers: ClinVar variation 4985889 (VCV004985889.1).